The following is an entry in ClinVar:

NM_015971.4(MRPS7):c.507+18G>T

Gene: MRPS7 (mitochondrial ribosomal protein S7; plus strand). Cytogenetic location: 17q25.1.
Variant type: single nucleotide variant.
Coding change: c.507+18G>T on transcript NM_015971.4 (MANE Select); 18 bases into the intron after coding-DNA position 507, G replaced by T.
Molecular consequence: intron variant.
Genome position (GRCh38, 1-based): chr17:75,263,525, G>T. VCF-style: chr17-75263525-G-T. GRCh37 (hg19) VCF-style: chr17-73259606-G-T.
Identifiers: ClinVar variation 515639 (VCV000515639.1), dbSNP rs1555595404, ClinGen allele CA658798970.

ClinVar aggregate classification (germline): Likely benign (1 of 4 stars; one submission).

Submission:

GeneDx
Classification: Likely benign. Last evaluated: 2018-02-28. Review status: criteria provided, single submitter. Criteria: GeneDx Variant Classification (06012015). Collection method: clinical testing. Allele origin: germline. Affected: yes.
Comment: This variant is considered likely benign or benign based on one or more of the following criteria: it is a conservative change, it occurs at a poorly conserved position in the protein, it is predicted to be benign by multiple in silico algorithms, and/or has population frequency not consistent with disease.